The following is an entry in ClinVar:

ClinVar aggregate classification (germline): Uncertain significance (1 of 4 stars; one submission).

Allele frequency attached by ClinVar (database versions not stated): gnomAD exomes below 0.00001; TOPMed 0.00001.

Submission:

Labcorp Genetics (formerly Invitae), Labcorp
Classification: Uncertain significance. Last evaluated: 2024-11-05. Review status: criteria provided, single submitter. Criteria: Invitae Variant Classification Sherloc (09022015). Collection method: clinical testing. Allele origin: germline.
Comment: This sequence change replaces glutamine, which is neutral and polar, with lysine, which is basic and polar, at codon 182 of the XYLT2 protein (p.Gln182Lys). The frequency data for this variant in the population databases is considered unreliable, as metrics indicate poor data quality at this position in the gnomAD database. This variant has not been reported in the literature in individuals affected with XYLT2-related conditions. ClinVar contains an entry for this variant (Variation ID: 1926856). Invitae Evidence Modeling of protein sequence and biophysical properties (such as structural, functional, and spatial information, amino acid conservation, physicochemical variation, residue mobility, and thermodynamic stability) indicates that this missense variant is not expected to disrupt XYLT2 protein function with a negative predictive value of 80%. In summary, the available evidence is currently insufficient to determine the role of this variant in disease. Therefore, it has been classified as a Variant of Uncertain Significance.

NM_022167.4(XYLT2):c.544C>A (p.Gln182Lys)

Gene: XYLT2 (xylosyltransferase 2; plus strand). Cytogenetic location: 17q21.33.
Variant type: single nucleotide variant.
Coding change: c.544C>A on transcript NM_022167.4 (MANE Select); coding-DNA position 544, C replaced by A.
Protein change: p.Gln182Lys; replaces glutamine 182 with lysine.
Molecular consequence: missense variant.
Genome position (GRCh38, 1-based): chr17:50,354,038, C>A. VCF-style: chr17-50354038-C-A. GRCh37 (hg19) VCF-style: chr17-48431399-C-A.
Other names: short protein forms Q182K.
Identifiers: ClinVar variation 1926856 (VCV001926856.5), dbSNP rs1053209381, ClinGen allele CA291577386.